The following is an entry in ClinVar:

NM_001369.3(DNAH5):c.13501C>T (p.Arg4501Trp)

Gene: DNAH5 (dynein axonemal heavy chain 5; minus strand). Cytogenetic location: 5p15.2.
Variant type: single nucleotide variant.
Coding change: c.13501C>T on transcript NM_001369.3 (MANE Select); coding-DNA position 13501, C replaced by T.
Protein change: p.Arg4501Trp; replaces arginine 4501 with tryptophan.
Molecular consequence: missense variant.
Genome position (GRCh38, 1-based): chr5:13,700,862, G>A on the plus strand (C>T on the coding strand, the complement: DNAH5 is on the minus strand). VCF-style: chr5-13700862-G-A. GRCh37 (hg19) VCF-style: chr5-13700971-G-A.
Other names: short protein forms R4501W.
Identifiers: ClinVar variation 3776316 (VCV003776316.1).

ClinVar aggregate classification (germline): Uncertain significance (1 of 4 stars; one submission).

gnomAD v4.1: 29 of 1,613,934 alleles (0.0018%); highest among the groups gnomAD compares: South Asian, 0.012%; no homozygotes.

Submission:

GeneDx
Classification: Uncertain significance. Last evaluated: 2024-10-05. Review status: criteria provided, single submitter. Criteria: GeneDx Variant Classification Process June 2021. Collection method: clinical testing. Allele origin: germline. Affected: yes.
Comment: In silico analysis supports that this missense variant has a deleterious effect on protein structure/function; Has not been previously published as pathogenic or benign to our knowledge